The following is an entry in ClinVar:

NM_005006.7(NDUFS1):c.1120A>G (p.Thr374Ala)

Gene: NDUFS1 (NADH:ubiquinone oxidoreductase core subunit S1; minus strand). Cytogenetic location: 2q33.3.
Variant type: single nucleotide variant.
Coding change: c.1120A>G on transcript NM_005006.7 (MANE Select); coding-DNA position 1120, A replaced by G.
Protein change: p.Thr374Ala; replaces threonine 374 with alanine.
Molecular consequence: missense variant.
Genome position (GRCh38, 1-based): chr2:206,142,699, T>C on the plus strand (A>G on the coding strand, the complement: NDUFS1 is on the minus strand). VCF-style: chr2-206142699-T-C. GRCh37 (hg19) VCF-style: chr2-207007423-T-C.
Other names: c.1012A>G, p.Thr338Ala (NM_001199981.2); c.787A>G, p.Thr263Ala (NM_001199982.2); c.949A>G, p.Thr317Ala (NM_001199983.2); c.1162A>G, p.Thr388Ala (NM_001199984.2); short protein forms T374A, T263A, T317A, T338A, T388A.
Identifiers: ClinVar variation 333784 (VCV000333784.9), dbSNP rs765436915, ClinGen allele CA2070563.

ClinVar aggregate classification (germline): Uncertain significance. Review status: criteria provided, multiple submitters, no conflicts (2 of 4 stars). 4 submissions from 3 submitters: Uncertain significance (4). Last evaluated 2025-02-06.

Conditions:
Mitochondrial complex I deficiency, nuclear type 1. Also called: NADH-COENZYME Q REDUCTASE DEFICIENCY; MITOCHONDRIAL NADH DEHYDROGENASE COMPONENT OF COMPLEX I, DEFICIENCY OF. Identifiers: MedGen C6022305, MONDO:0100224, OMIM 252010.
Leigh syndrome (NULS). Also called: Leigh's syndrome; Leigh Syndrome (mtDNA deletion); Leigh Disease; Leigh's necrotizing encephalopathy; Leigh's disease; Subacute necrotizing encephalopathy. Identifiers: Orphanet 506, MedGen C2931891, MONDO:0009723, OMIM 256000.

Allele frequency attached by ClinVar (database versions not stated): TOPMed 0.00001; gnomAD exomes 0.00002 and 0.00004; ExAC 0.00005.
gnomAD v4.1: 23 of 1,614,164 alleles (0.0014%); highest among the groups gnomAD compares: South Asian, 0.023%; no homozygotes.

Submissions (4):

Labcorp Genetics (formerly Invitae), Labcorp
Classification: Uncertain significance. Last evaluated: 2025-02-06. Review status: criteria provided, single submitter. Criteria: Invitae Variant Classification Sherloc (09022015). Collection method: clinical testing. Allele origin: germline.
Comment: This sequence change replaces threonine, which is neutral and polar, with alanine, which is neutral and non-polar, at codon 374 of the NDUFS1 protein (p.Thr374Ala). This variant is present in population databases (rs765436915, gnomAD 0.03%). This variant has not been reported in the literature in individuals affected with NDUFS1-related conditions. ClinVar contains an entry for this variant (Variation ID: 333784). Invitae Evidence Modeling of protein sequence and biophysical properties (such as structural, functional, and spatial information, amino acid conservation, physicochemical variation, residue mobility, and thermodynamic stability) indicates that this missense variant is not expected to disrupt NDUFS1 protein function with a negative predictive value of 95%. In summary, the available evidence is currently insufficient to determine the role of this variant in disease. Therefore, it has been classified as a Variant of Uncertain Significance.

GeneDx
Classification: Uncertain significance. Last evaluated: 2020-01-06. Review status: criteria provided, single submitter. Criteria: GeneDx Variant Classification Process June 2021. Collection method: clinical testing. Allele origin: germline. Affected: yes.
Comment: In silico analysis, which includes protein predictors and evolutionary conservation, supports that this variant does not alter protein structure/function; Has not been previously published as pathogenic or benign to our knowledge

Illumina Laboratory Services, Illumina
Classification: Uncertain significance for Leigh syndrome. Last evaluated: 2018-01-12. Review status: criteria provided, single submitter. Criteria: ICSL Variant Classification Criteria 13 December 2019. Collection method: clinical testing. Allele origin: germline.

Illumina Laboratory Services, Illumina
Classification: Uncertain significance for Mitochondrial complex I deficiency, nuclear type 1. Last evaluated: 2018-01-12. Review status: criteria provided, single submitter. Criteria: ICSL Variant Classification Criteria 13 December 2019. Collection method: clinical testing. Allele origin: germline.